The following is an entry in ClinVar:

ClinVar aggregate classification (germline): Likely benign (1 of 4 stars; one submission).

gnomAD v4.1: 12 of 1,613,440 alleles (0.00074%); highest among the groups gnomAD compares: Middle Eastern, 0.066%; no homozygotes.

Submission:

CeGaT Center for Human Genetics Tuebingen
Classification: Likely benign. Last evaluated: 2026-04-01. Review status: criteria provided, single submitter. Criteria: CeGaT Center For Human Genetics Tuebingen Variant Classification Criteria Version 2. Collection method: clinical testing. Allele origin: germline. Affected: yes. Observed: 1 variant allele.
Comment: STAG1: BP4, BP7

NM_005862.3(STAG1):c.54C>T (p.Ala18=)

Gene: STAG1 (STAG1 cohesin complex component; minus strand). Cytogenetic location: 3q22.3.
Variant type: single nucleotide variant.
Coding change: c.54C>T on transcript NM_005862.3 (MANE Select); coding-DNA position 54, C replaced by T.
Protein change: p.Ala18=; no amino-acid change (alanine 18 retained).
Molecular consequence: synonymous variant.
Genome position (GRCh38, 1-based): chr3:136,623,224, G>A on the plus strand (C>T on the coding strand, the complement: STAG1 is on the minus strand). VCF-style: chr3-136623224-G-A. GRCh37 (hg19) VCF-style: chr3-136342066-G-A.
Identifiers: ClinVar variation 4873188 (VCV004873188.2).